The following is an entry in ClinVar:

NM_001367823.1(ARHGEF18):c.272G>A (p.Arg91Gln)

Gene: ARHGEF18 (Rho/Rac guanine nucleotide exchange factor 18; plus strand). Cytogenetic location: 19p13.2.
Variant type: single nucleotide variant.
Coding change: c.272G>A on transcript NM_001367823.1 (MANE Select); coding-DNA position 272, G replaced by A.
Protein change: p.Arg91Gln; replaces arginine 91 with glutamine.
Molecular consequence: missense variant.
Genome position (GRCh38, 1-based): chr19:7,373,068, G>A. VCF-style: chr19-7373068-G-A. GRCh37 (hg19) VCF-style: chr19-7437954-G-A.
Other names: short protein forms R91Q.
Identifiers: ClinVar variation 4533694 (VCV004533694.6).
Genomic context (GRCh38, chr19:7,373,068, plus strand): 5'-CCCAAGACCTGTCAAGGCGGCGCAGCTGGGAAAGGTCGCGGAGCTGCTCAGAGAGCTGGC[G>A]GAGGTCAGTTCCCCACTGCTGCCTGCTTCCCACAATGCACCCCTGGGACAGGGAAGAGGT-3'
Protein context (NP_001354752.1, residues 81-101): ERSRSCSESW[Arg91Gln]RLSLDASAVD

ClinVar aggregate classification (germline): Benign (1 of 4 stars; one submission).

gnomAD v4.1: 3,052 of 1,234,492 alleles (0.25%); highest among the groups gnomAD compares: African/African-American, 3.7%; 47 homozygotes.

Submission:

CeGaT Center for Human Genetics Tuebingen
Classification: Benign. Last evaluated: 2026-06-01. Review status: criteria provided, single submitter. Criteria: CeGaT Center For Human Genetics Tuebingen Variant Classification Criteria Version 2. Collection method: clinical testing. Allele origin: germline. Affected: yes. Observed: 2 variant alleles.
Comment: ARHGEF18: BS1, BS2